The following is an entry in ClinVar:

ClinVar aggregate classification (germline): Benign (1 of 4 stars; one submission).

Conditions:
Neuroblastoma (NB). Identifiers: Orphanet 635, MedGen C0027819, MeSH D009447, MONDO:0005072, HP:0003006.

Allele frequency attached by ClinVar (database versions not stated): 1000 Genomes Project 30x 0.00187; 1000 Genomes Project 0.00200; TOPMed 0.00225.
gnomAD v4.1: 585 of 231,208 alleles (0.25%); highest among the groups gnomAD compares: Middle Eastern, 0.64%; 3 homozygotes.

Submission:

Illumina Laboratory Services, Illumina
Classification: Benign for Neuroblastoma. Last evaluated: 2018-01-12. Review status: criteria provided, single submitter. Criteria: ICSL Variant Classification Criteria 13 December 2019. Collection method: clinical testing. Allele origin: germline.
Comment: This variant was observed in the ICSL laboratory as part of a predisposition screen in an ostensibly healthy population. It had not been previously curated by ICSL or reported in the Human Gene Mutation Database (HGMD: prior to June 1st, 2018), and was therefore a candidate for classification through an automated scoring system. Utilizing variant allele frequency, disease prevalence and penetrance estimates, and inheritance mode, an automated score was calculated to assess if this variant is too frequent to cause the disease. Based on the score and internal cut-off values, a variant classified as benign is not then subjected to further curation. The score for this variant resulted in a classification of benign for this disease.

NM_001365951.3(KIF1B):c.*2740C>A

Gene: KIF1B (kinesin family member 1B; plus strand). Cytogenetic location: 1p36.22.
Variant type: single nucleotide variant.
Coding change: c.*2740C>A on transcript NM_001365951.3 (MANE Select); 2740 bases downstream of the stop codon, C replaced by A.
Molecular consequence: 3 prime UTR variant.
Genome position (GRCh38, 1-based): chr1:10,379,327, C>A. VCF-style: chr1-10379327-C-A. GRCh37 (hg19) VCF-style: chr1-10439385-C-A.
Other names: c.*2740C>A (NM_001365952.1, NM_015074.3).
Identifiers: ClinVar variation 291628 (VCV000291628.5), dbSNP rs144047666, ClinGen allele CA10607363.